The following is an entry in ClinVar:

ClinVar aggregate classification (germline): Uncertain significance (1 of 4 stars; one submission).

Submission:

Women's Health and Genetics/Laboratory Corporation of America, LabCorp
Classification: Uncertain significance. Last evaluated: 2024-09-20. Review status: criteria provided, single submitter. Criteria: LabCorp Variant Classification Summary - May 2015. Collection method: clinical testing. Allele origin: germline.
Comment: Variant summary: BBS12 c.1333T>G (p.Phe445Val) results in a non-conservative amino acid change in the encoded protein sequence. Four of five in-silico tools predict a damaging effect of the variant on protein function. The variant was absent in 251484 control chromosomes (gnomAD). The available data on variant occurrences in the general population are insufficient to allow any conclusion about variant significance. c.1333T>G has been reported in the literature in at least an individual affected with Bardet-Biedl Syndrome (example: Zhong_2023). These data do not allow any conclusion about variant significance. To our knowledge, no experimental evidence demonstrating an impact on protein function has been reported. The following publication haS been ascertained in the context of this evaluation (PMID: 37031301). No submitters have cited clinical-significance assessments for this variant to ClinVar. Based on the evidence outlined above, the variant was classified as uncertain significance

Literature cited by the submitters: PubMed 37031301.

NM_152618.3(BBS12):c.1333T>G (p.Phe445Val)

Gene: BBS12 (Bardet-Biedl syndrome 12; plus strand). Cytogenetic location: 4q27.
Variant type: single nucleotide variant.
Coding change: c.1333T>G on transcript NM_152618.3 (MANE Select); coding-DNA position 1333, T replaced by G.
Protein change: p.Phe445Val; replaces phenylalanine 445 with valine.
Molecular consequence: missense variant.
Genome position (GRCh38, 1-based): chr4:122,743,225, T>G. VCF-style: chr4-122743225-T-G. GRCh37 (hg19) VCF-style: chr4-123664380-T-G.
Other names: c.1333T>G, p.Phe445Val (NM_001178007.2); short protein forms F445V.
Identifiers: ClinVar variation 3375336 (VCV003375336.1).